The following is an entry in ClinVar:

ClinVar aggregate classification (germline): Uncertain significance (1 of 4 stars; one submission).

Conditions:
Nephronophthisis 14 (NPHP14). Identifiers: Orphanet 2318, MedGen C3539071, MONDO:0013916, OMIM 614844.

Allele frequency attached by ClinVar (database versions not stated): TOPMed below 0.00001; gnomAD 0.00001 and 0.00002; gnomAD exomes 0.00001; ExAC 0.00002; 1000 Genomes Project 30x 0.00016; 1000 Genomes Project 0.00020.
gnomAD v4.1: 5 of 1,608,060 alleles (0.00031%); highest among the groups gnomAD compares: African/African-American, 0.0067%; no homozygotes.

Submission:

Labcorp Genetics (formerly Invitae), Labcorp
Classification: Uncertain significance for Nephronophthisis 14. Last evaluated: 2022-08-23. Review status: criteria provided, single submitter. Criteria: Invitae Variant Classification Sherloc (09022015). Collection method: clinical testing. Allele origin: germline.
Comment: This sequence change replaces alanine, which is neutral and non-polar, with valine, which is neutral and non-polar, at codon 317 of the ZNF423 protein (p.Ala317Val). This variant is present in population databases (rs570889309, gnomAD 0.01%). This variant has not been reported in the literature in individuals affected with ZNF423-related conditions. ClinVar contains an entry for this variant (Variation ID: 1419558). Algorithms developed to predict the effect of missense changes on protein structure and function (SIFT, PolyPhen-2, Align-GVGD) all suggest that this variant is likely to be tolerated. In summary, the available evidence is currently insufficient to determine the role of this variant in disease. Therefore, it has been classified as a Variant of Uncertain Significance.

NM_001379286.1(ZNF423):c.974C>T (p.Ala325Val)

Gene: ZNF423 (zinc finger protein 423; minus strand). Cytogenetic location: 16q12.1.
Variant type: single nucleotide variant.
Coding change: c.974C>T on transcript NM_001379286.1 (MANE Select); coding-DNA position 974, C replaced by T.
Protein change: p.Ala325Val; replaces alanine 325 with valine.
Molecular consequence: missense variant.
Genome position (GRCh38, 1-based): chr16:49,638,202, G>A on the plus strand (C>T on the coding strand, the complement: ZNF423 is on the minus strand). VCF-style: chr16-49638202-G-A. GRCh37 (hg19) VCF-style: chr16-49672113-G-A.
Other names: c.770C>T, p.Ala257Val (NM_001271620.2); c.599C>T, p.Ala200Val (NM_001330533.2); c.950C>T, p.Ala317Val (NM_015069.5); short protein forms A257V, A325V, A200V, A317V.
Identifiers: ClinVar variation 1419558 (VCV001419558.3), dbSNP rs570889309, ClinGen allele CA8046778.